The following is an entry in ClinVar:

ClinVar aggregate classification (germline): Conflicting classifications of pathogenicity. Review status: criteria provided, conflicting classifications (1 of 4 stars). 3 submissions from 3 submitters: Uncertain significance (1); Benign (1). 1 of the submissions does not count toward it. Last evaluated 2026-01-01.

Conditions:
TRRAP-related disorder. Also called: TRRAP-related condition.

Allele frequency attached by ClinVar (database versions not stated): gnomAD 0.00002 and 0.00003; gnomAD exomes 0.00007 and 0.00017; TOPMed 0.00007; ExAC 0.00016.
gnomAD v4.1: 48 of 1,614,082 alleles (0.003%); highest among the groups gnomAD compares: Admixed American, 0.08%; no homozygotes.

Submissions (3):

Labcorp Genetics (formerly Invitae), Labcorp
Classification: Benign. Last evaluated: 2026-01-01. Review status: criteria provided, single submitter. Criteria: Invitae Variant Classification Sherloc (09022015). Collection method: clinical testing. Allele origin: germline.

GeneDx
Classification: Uncertain significance. Last evaluated: 2020-03-04. Review status: criteria provided, single submitter. Criteria: GeneDx Variant Classification Process June 2021. Collection method: clinical testing. Allele origin: germline. Affected: yes.
Comment: In-silico analysis, which includes splice predictors and evolutionary conservation, is inconclusive as to whether the variant alters gene splicing. In the absence of RNA/functional studies, the actual effect of this sequence change is unknown.; Has not been previously published as pathogenic or benign to our knowledge

PreventionGenetics, part of Exact Sciences
Classification: Likely benign for TRRAP-related condition. Last evaluated: 2020-07-20. Review status: no assertion criteria provided. Collection method: clinical testing. Allele origin: germline. Not counted in ClinVar's aggregate classification.
Comment: This variant is classified as likely benign based on ACMG/AMP sequence variant interpretation guidelines (Richards et al. 2015 PMID: 25741868, with internal and published modifications).

NM_001375524.1(TRRAP):c.4405-5A>G

Gene: TRRAP (transformation/transcription domain associated protein; plus strand). Cytogenetic location: 7q22.1.
Variant type: single nucleotide variant.
Coding change: c.4405-5A>G on transcript NM_001375524.1 (MANE Select); 5 bases into the intron before coding-DNA position 4405, A replaced by G.
Molecular consequence: intron variant.
Genome position (GRCh38, 1-based): chr7:98,942,944, A>G. VCF-style: chr7-98942944-A-G. GRCh37 (hg19) VCF-style: chr7-98540567-A-G.
Other names: c.4405-5A>G (NM_001244580.2, NM_003496.4, NM_003496.3).
Identifiers: ClinVar variation 1315061 (VCV001315061.8), dbSNP rs782409632, ClinGen allele CA4360249.
Genomic context (GRCh38, chr7:98,942,944, plus strand): 5'-AGTAGTTTCCACCAGTGGAATGCACCTACTGTGAAGTTGTGTCTCAGGATGTGTTTTTCC[A>G]ACAGCAACATCTGCGCAAGTGGATGGAAGTGGTGGTGATCACCCACAAAGGGGGCCAGAG-3'